The following is an entry in ClinVar:

NM_000217.3(KCNA1):c.742G>C (p.Asp248His)

Gene: KCNA1 (potassium voltage-gated channel subfamily A member 1; plus strand). Cytogenetic location: 12p13.32.
Variant type: single nucleotide variant.
Coding change: c.742G>C on transcript NM_000217.3 (MANE Select); coding-DNA position 742, G replaced by C.
Protein change: p.Asp248His; replaces aspartic acid 248 with histidine.
Molecular consequence: missense variant.
Genome position (GRCh38, 1-based): chr12:4,912,120, G>C. VCF-style: chr12-4912120-G-C. GRCh37 (hg19) VCF-style: chr12-5021286-G-C.
Other names: short protein forms D248H.
Identifiers: ClinVar variation 3721116 (VCV003721116.2).
Genomic context (GRCh38, chr12:4,912,120, plus strand): 5'-TGTATCATCTGGTTCTCCTTCGAGCTGGTGGTGCGCTTCTTCGCCTGCCCCAGCAAGACG[G>C]ACTTCTTCAAAAACATCATGAACTTCATAGACATTGTGGCCATCATTCCTTATTTCATCA-3'
Protein context (NP_000208.2, residues 238-258): VRFFACPSKT[Asp248His]FFKNIMNFID

ClinVar aggregate classification (germline): Uncertain significance (1 of 4 stars; one submission).

Conditions:
Episodic ataxia type 1 (EA1). Also called: MYOKYMIA WITH PERIODIC ATAXIA; PAROXYSMAL ATAXIA WITH NEUROMYOTONIA, HEREDITARY; Episodic ataxia/myokymia syndrome; ATAXIA, EPISODIC, WITH MYOKYMIA. Identifiers: Orphanet 37612, Orphanet 972, MedGen C1719788, MONDO:0008047, OMIM 160120.

Submission:

Labcorp Genetics (formerly Invitae), Labcorp
Classification: Uncertain significance for Episodic ataxia type 1. Last evaluated: 2024-12-19. Review status: criteria provided, single submitter. Criteria: Invitae Variant Classification Sherloc (09022015). Collection method: clinical testing. Allele origin: germline.
Comment: This sequence change replaces aspartic acid, which is acidic and polar, with histidine, which is basic and polar, at codon 248 of the KCNA1 protein (p.Asp248His). This variant is not present in population databases (gnomAD no frequency). This variant has not been reported in the literature in individuals affected with KCNA1-related conditions. Invitae Evidence Modeling of protein sequence and biophysical properties (such as structural, functional, and spatial information, amino acid conservation, physicochemical variation, residue mobility, and thermodynamic stability) indicates that this missense variant is not expected to disrupt KCNA1 protein function with a negative predictive value of 80%. In summary, the available evidence is currently insufficient to determine the role of this variant in disease. Therefore, it has been classified as a Variant of Uncertain Significance.